The following continues an entry in ClinVar:

NM_002667.5(PLN):c.116T>G (p.Leu39Ter)

ClinVar aggregate classification (germline): Pathogenic/Likely pathogenic. Pathogenic (17); Likely pathogenic (1).

Submissions 8 to 24 of 24:

Ambry Genetics
Classification: Pathogenic for Cardiovascular phenotype. Last evaluated: 2024-02-09. Review status: criteria provided, single submitter. Criteria: Ambry Variant Classification Scheme 2023. Collection method: clinical testing. Allele origin: germline.
Comment: The p.L39* pathogenic mutation (also known as c.116T>G), located in coding exon 1 of the PLN gene, results from a T to G substitution at nucleotide position 116. This changes the amino acid from a leucine to a stop codon within coding exon 1. This alteration has been previously reported in association with dilated cardiomyopathy (DCM) and hypertrophic cardiomyopathy (HCM) and demonstrated segregation with disease in families with variable expression and reduced penetrance (Haghighi K et al. J Clin Invest. 2003 Mar;111(6):869-76; Chiu C et al. J Mol Cell Cardiol. 2007 Sep;43(3):337-43; Landstrom AP et al. Am Heart J. 2011 Jan;161(1):165-71). Two homozygous siblings with severe DCM requiring transplantation were reported, one of whom had only mild left ventricular hypertrophy that progressed to left ventricular dilation and cardiac failure; their heterozygous family members exhibited a range of clinical features from some with DCM, to those with left ventricular hypertrophy and normal ejection fractions, and others with no reported findings (Haghighi K et al. J Clin Invest. 2003 Mar;111(6):869-76). In addition, one study reported this alteration to result in reduction of detectable mRNA, no detectable protein product, and loss of normal protein-protein interaction in a sample from a homozygous individual with DCM (Haghighi K et al. J Clin Invest. 2003;111(6):869-76). Based on the supporting evidence, this alteration is interpreted as a disease-causing mutation.

Illumina Laboratory Services, Illumina
Classification: Pathogenic for Intrinsic cardiomyopathy. Last evaluated: 2023-09-06. Review status: criteria provided, single submitter. Criteria: ICSLVariantClassificationCriteria RUGD 01 April 2020. Collection method: clinical testing. Allele origin: unknown.
Comment: The PLN c.116T>G (p.Leu39Ter) nonsense variant occurs in the only coding exon of the gene and may escape nonsense-mediated decay. Across a selection of available literature, this variant has been identified in a heterozygous state in eight unrelated individuals with cardiac phenotypes (hypertrophic cardiomyopathy (HCM), dilated cardiomyopathy (DCM), left ventricular hypertrophy (LVH), and cardiac arrest) and in a homozygous state in two individuals with severe DCM, LVH and heart failure requiring cardiac transplantation. This variant has been shown to segregate with disease in multiple families, with reduced penetrance (PMID: 12639993; 17655857; 21167350; 22137083; 25611685; 28600387; 28986455). Functional studies conducted in human cell lines demonstrated that this variant resulted in mislocalization of the protein, and examination of heart tissue from a homozygous patient showed reduced mRNA expression and no detectable protein product (PMID: 12639993). This variant is not observed at a significant frequency in version 2.1.1 or version 3.1.2 of the Genome Aggregation Database. This variant has been classified as pathogenic by at least three submitters in ClinVar. Based on the available evidence, the c.116T>G (p.Leu39Ter) variant is classified as pathogenic for intrinsic cardiomyopathy.

CHEO Genetics Diagnostic Laboratory, Children's Hospital of Eastern Ontario
Classification: Pathogenic for Cardiomyopathy. Last evaluated: 2023-05-02. Review status: criteria provided, single submitter. Criteria: ACMG Guidelines, 2015. Collection method: clinical testing. Allele origin: germline. Study: Canadian Open Genetics Repository.

Laboratory of Medical Genetics, National & Kapodistrian University of Athens
Classification: Pathogenic for Dilated cardiomyopathy 1P. Last evaluated: 2022-09-09. Review status: criteria provided, single submitter. Criteria: ACMG Guidelines, 2015. Collection method: clinical testing. Allele origin: germline. Affected: yes.
Comment: PVS1, PM2, PP5

Clinical Genetics Laboratory, Skane University Hospital Lund
Classification: Pathogenic. Last evaluated: 2022-05-27. Review status: criteria provided, single submitter. Criteria: ACMG Guidelines, 2015. Collection method: clinical testing. Allele origin: germline. Affected: yes.

GeneDx
Classification: Pathogenic. Last evaluated: 2022-03-18. Review status: criteria provided, single submitter. Criteria: GeneDx Variant Classification Process June 2021. Collection method: clinical testing. Allele origin: germline. Affected: yes.
Comment: Reported in association with DCM and HCM (Haghighi et al., 2003; Chiu et al., 2007; Landstrom et al., 2011; Medeiros et al., 2011; Sanoudou et al., 2015; Walsh et al., 2017); Not observed at significant frequency in large population cohorts (gnomAD); Functional studies show significantly reduced expression of the p.(L39*) protein (Haghighi et al., 2003; Kelly et al., 2008); Nonsense variant in the C-terminus predicted to result in protein truncation, as the last 14 amino acids are lost, and other loss-of-function variants have been reported downstream in HGMD (Stenson et al., 2014); This variant is associated with the following publications: (PMID: 26917049, 17010801, 31402444, 23861362, 26535225, 16829191, 16432188, 22427649, 23139254, 23989713, 21332051, 18287099, 12724757, 25928149, 17655857, 25611685, 28102477, 27532257, 21167350, 12639993, 16235537, 30259183, 28986455, 28600387, 28449774, 28790153, 34426522, 31589614, 22137083)

Revvity Omics, Revvity
Classification: Pathogenic. Last evaluated: 2021-12-02. Review status: criteria provided, single submitter. Criteria: ACMG Guidelines, 2015. Collection method: clinical testing. Allele origin: germline.

Institute for Clinical Genetics, University Hospital TU Dresden, University Hospital TU Dresden
Classification: Likely pathogenic. Last evaluated: 2021-11-03. Review status: criteria provided, single submitter. Criteria: ACMG Guidelines, 2015. Collection method: clinical testing. Allele origin: germline.

Baylor Genetics
Classification: Pathogenic for Dilated cardiomyopathy 1P. Last evaluated: 2019-08-30. Review status: criteria provided, single submitter. Criteria: ACMG Guidelines, 2015. Collection method: clinical testing. Allele origin: unknown. Affected: yes.
Comment: This variant was determined to be pathogenic according to ACMG Guidelines, 2015 [PMID:25741868].

Laboratory for Molecular Medicine, Mass General Brigham Personalized Medicine
Classification: Pathogenic for Hypertrophic cardiomyopathy. Last evaluated: 2015-06-11. Review status: criteria provided, single submitter. Criteria: LMM Criteria. Collection method: clinical testing. Allele origin: germline. Inheritance: Autosomal dominant inheritance. Observed: 2 variant alleles.
Comment: The p.Leu39X variant in PLN leads to a premature termination codon at position 3 9 which is predicted to lead to a truncated or absent protein. This variant has been identified in 1/66694 European chromosomes by the Exome Aggregation Consort ium (ExAC; dbSNP rs111033560). It has been repor ted in 4 families with cardiomyopathy (2 families with HCM and conduction system disease; 2 families with DCM and LVH) (Haghighi 2003, Chiu 2007, Landstrom 2011 ). In one family, 2 individuals with severe DCM were homozygous for the variant (Haghighi 2003), and heterozygous family members presented with a range of featu res including LVH, HCM +/- conduction system disease, or DCM. Across these 4 fam ilies, this variant segregated with disease in 8 affected relatives. The increas ed severity in homozygosity lends additional support for a pathogenic role. In s ummary, the p.Leu39X variant meets our criteria to be classified as pathogenic f or HCM in an autosomal dominant manner (cine/LMM) based upon segregation studies, virtual absence in the general populat ion and the predicted severe impact on the protein.

Biesecker Lab/Clinical Genomics Section, National Institutes of Health
Classification: Pathogenic for Cardiomyopathy, dilated. Last evaluated: 2013-06-24. Review status: criteria provided, single submitter. Criteria: Ng et al. (Circ Cardiovasc Genet. 2013). Collection method: research. Allele origin: unknown. Affected: no. Observed: 1 variant allele. Study: ClinSeq.
Comment: The study set was not selected for affection status in relation to any cancer. Pathogenicity categories were based on literature curation. See Pubmed ID:23861362 for details.

Medical sequencing

Blueprint Genetics
Classification: Likely pathogenic for Sudden cardiac death. Last evaluated: 2014-10-14. Review status: no assertion criteria provided. Collection method: clinical testing. Allele origin: germline. Affected: yes. Observed: 1 variant allele. Not counted in ClinVar's aggregate classification.

Blueprint Genetics
Classification: Likely pathogenic for Cardiac Arrest. Last evaluated: 2014-10-14. Review status: no assertion criteria provided. Collection method: clinical testing. Allele origin: germline. Affected: yes. Observed: 1 variant allele. Not counted in ClinVar's aggregate classification.

OMIM
Classification: Pathogenic for CARDIOMYOPATHY, DILATED, 1P. Last evaluated: 2011-01-01. Review status: no assertion criteria provided. Collection method: literature only. Allele origin: germline. Not counted in ClinVar's aggregate classification.

OMIM
Classification: Pathogenic for CARDIOMYOPATHY, FAMILIAL HYPERTROPHIC 18. Last evaluated: 2011-01-01. Review status: no assertion criteria provided. Collection method: literature only. Allele origin: germline. Not counted in ClinVar's aggregate classification.

Clinical Genetics, Academic Medical Center
Classification: Pathogenic. Review status: no assertion criteria provided. Collection method: clinical testing. Allele origin: germline. Affected: yes. Study: VKGL Data-share Consensus. Not counted in ClinVar's aggregate classification.

Diagnostic Laboratory, Department of Genetics, University Medical Center Groningen
Classification: Pathogenic. Review status: no assertion criteria provided. Collection method: clinical testing. Allele origin: germline. Affected: yes. Study: VKGL Data-share Consensus. Not counted in ClinVar's aggregate classification.

Literature cited by the submitters: PubMed 12639993 (cited by 7 submitters); PubMed 17655857 (cited by 4 submitters); PubMed 21167350 (cited by 4 submitters); PubMed 25611685 (cited by Labcorp Genetics (formerly Invitae), Labcorp and New York Genome Center); PubMed 26535225 (cited by 3 submitters); PubMed 27532257 (cited by Labcorp Genetics (formerly Invitae), Labcorp and New York Genome Center); PubMed 16432188 (cited by Victorian Clinical Genetics Services, Murdoch Childrens Research Institute); PubMed 22820313 (cited by Victorian Clinical Genetics Services, Murdoch Childrens Research Institute); PubMed 23861362 (cited by 3 submitters); PubMed 28790153 (cited by New York Genome Center); PubMed 36264615 (cited by New York Genome Center); PubMed 36788754 (cited by New York Genome Center); PubMed 28449774 (cited by New York Genome Center); PubMed 28600387 (cited by New York Genome Center and Ambry Genetics); PubMed 28986455 (cited by New York Genome Center); PubMed 3535281 (cited by New York Genome Center); PubMed 22137083 (cited by Ambry Genetics); PubMed 16235537 (cited by Laboratory for Molecular Medicine, Mass General Brigham Personalized Medicine); PubMed 21332051 (cited by Laboratory for Molecular Medicine, Mass General Brigham Personalized Medicine).